The following is an entry in ClinVar:

ClinVar aggregate classification (germline): Uncertain significance. Review status: criteria provided, multiple submitters, no conflicts (2 of 4 stars). 2 submissions from 2 submitters: Uncertain significance (2). Last evaluated 2025-09-23.

Conditions:
Familial cancer of breast. Also called: BREAST CANCER, FAMILIAL; Hereditary breast cancer; hereditary breast carcinoma. Identifiers: Orphanet 227535, MedGen C0346153, MONDO:0016419, OMIM 114480. Disease mechanism: loss of function.
Cerebral arteriovenous malformation (BAVM). Also called: Arteriovenous malformations of the brain; CEREBRAL ARTERIOVENOUS MALFORMATIONS. Identifiers: Orphanet 46724, MedGen C0917804, MONDO:0007154, OMIM 108010, HP:0002408.
Malignant tumor of urinary bladder. Also called: Bladder cancer; Urinary Bladder Neoplasms; Urinary bladder cancer. Identifiers: MedGen C0005684, MONDO:0001187, OMIM 109800.
Autoimmune lymphoproliferative syndrome type 4. Also called: RAS-associated autoimmune leukoproliferative disorder; AUTOIMMUNE LYMPHOPROLIFERATIVE SYNDROME, TYPE IV. Identifiers: Orphanet 268114, MedGen C2674723, MONDO:0013767, OMIM 614470.
Acute myeloid leukemia (AML). Also called: Leukemia, acute myeloid, somatic; Leukemia, acute myelogenous, somatic; Acute myeloid leukemia, adult; AML adult; Acute non-lymphocytic leukemia; Acute granulocytic leukemia. Identifiers: Orphanet 519, MedGen C0023467, MeSH D015470, MONDO:0018874, OMIM 601626, HP:0004808. Disease mechanism: Constitutively activated FLT3.
Lung cancer. Also called: Lung cancer, somatic; Malignant tumor of lung. Identifiers: MedGen C0242379, MONDO:0008903, OMIM 211980.
Noonan syndrome 3 (NS3). Also called: KRAS-Related Noonan Syndrome. Identifiers: Orphanet 648, MedGen C1860991, MONDO:0012371, OMIM 609942.
Linear nevus sebaceous syndrome. Also called: Sebaceous nevus syndrome and hemimegalencephaly; SCHIMMELPENNING-FEUERSTEIN-MIMS SYNDROME, SOMATIC MOSAIC; JADASSOHN NEVUS PHAKOMATOSIS; NEVUS SEBACEUS OF JADASSOHN; ORGANOID NEVUS PHAKOMATOSIS; SFM SYNDROME. Identifiers: Orphanet 2612, MedGen C4552097, MONDO:0008097, OMIM 163200, HP:0010817.
Toriello-Lacassie-Droste syndrome. Identifiers: Orphanet 3339, MedGen C1838329, MONDO:0010854, OMIM 600268.
Cardiofaciocutaneous syndrome 2 (CFC2). Also called: KRAS-Related Cardiofaciocutaneous Syndrome. Identifiers: Orphanet 1340, MedGen C3809005, MONDO:0014112, OMIM 615278.
Familial pancreatic carcinoma. Identifiers: Orphanet 1333, MedGen C2931038, MONDO:0015278, OMIM 260350.
Gastric cancer. Also called: Malignant tumor of stomach; Stomach cancer. Identifiers: MedGen C0024623, MeSH D013274, MONDO:0001056, OMIM 613659, HP:0012126.
RASopathy. Also called: rasopathies; Noonan spectrum disorder. Identifiers: Orphanet 536391, MedGen C5555857, MONDO:0021060.

Allele frequency attached by ClinVar (database versions not stated): gnomAD exomes below 0.00001.
gnomAD v4.1: 1 of 1,612,978 alleles (0.000062%); highest among the groups gnomAD compares: Non-Finnish European, 0.000085%; no homozygotes.

Submissions (2):

Labcorp Genetics (formerly Invitae), Labcorp
Classification: Uncertain significance for RASopathy. Last evaluated: 2025-09-23. Review status: criteria provided, single submitter. Criteria: Invitae Variant Classification Sherloc (09022015). Collection method: clinical testing. Allele origin: germline.
Comment: This sequence change replaces cysteine, which is neutral and slightly polar, with arginine, which is basic and polar, at codon 118 of the KRAS protein (p.Cys118Arg). This variant is not present in population databases (gnomAD no frequency). This variant has not been reported in the literature in individuals affected with KRAS-related conditions. ClinVar contains an entry for this variant (Variation ID: 1047419). Invitae Evidence Modeling of protein sequence and biophysical properties (such as structural, functional, and spatial information, amino acid conservation, physicochemical variation, residue mobility, and thermodynamic stability) indicates that this missense variant is expected to disrupt KRAS protein function with a positive predictive value of 95%. In summary, the available evidence is currently insufficient to determine the role of this variant in disease. Therefore, it has been classified as a Variant of Uncertain Significance.

Fulgent Genetics
Classification: Uncertain significance for Cerebral arteriovenous malformation; Malignant tumor of urinary bladder; Familial cancer of breast; Linear nevus sebaceous syndrome; Lung cancer; Familial pancreatic carcinoma; Toriello-Lacassie-Droste syndrome; Acute myeloid leukemia; Noonan syndrome 3; Gastric cancer; Autoimmune lymphoproliferative syndrome type 4; Cardiofaciocutaneous syndrome 2. Last evaluated: 2024-02-12. Review status: criteria provided, single submitter. Criteria: ACMG Guidelines, 2015. Collection method: clinical testing. Allele origin: germline.

NM_004985.5(KRAS):c.352T>C (p.Cys118Arg)

Gene: KRAS (KRas proto-oncogene, GTPase; minus strand). Cytogenetic location: 12p12.1.
Variant type: single nucleotide variant.
Coding change: c.352T>C on transcript NM_004985.5 (MANE Select); coding-DNA position 352, T replaced by C.
Protein change: p.Cys118Arg; replaces cysteine 118 with arginine.
Molecular consequence: missense variant.
Genome position (GRCh38, 1-based): chr12:25,225,712, A>G on the plus strand (T>C on the coding strand, the complement: KRAS is on the minus strand). VCF-style: chr12-25225712-A-G. GRCh37 (hg19) VCF-style: chr12-25378646-A-G.
Other names: c.352T>C, p.Cys118Arg (NM_001369786.1, NM_001369787.1, NM_033360.4); short protein forms C118R.
Identifiers: ClinVar variation 1047419 (VCV001047419.9), dbSNP rs1951384485, ClinGen allele CA384151454.